The following is an entry in ClinVar:

ClinVar aggregate classification (germline): Uncertain significance. Review status: criteria provided, multiple submitters, no conflicts (2 of 4 stars). 2 submissions from 2 submitters: Uncertain significance (2). Last evaluated 2025-01-26.

Conditions:
Inborn genetic diseases. Identifiers: MedGen C0950123, MeSH D030342.

Allele frequency attached by ClinVar (database versions not stated): ExAC 0.00001; gnomAD 0.00001; gnomAD exomes 0.00001 and 0.00002; TOPMed 0.00002.
gnomAD v4.1: 25 of 1,611,098 alleles (0.0016%); highest among the groups gnomAD compares: Non-Finnish European, 0.002%; no homozygotes.

Submissions (2):

Ambry Genetics
Classification: Uncertain significance for Inborn genetic diseases. Last evaluated: 2025-01-26. Review status: criteria provided, single submitter. Criteria: Ambry Variant Classification Scheme 2023. Collection method: clinical testing. Allele origin: germline.

Labcorp Genetics (formerly Invitae), Labcorp
Classification: Uncertain significance. Last evaluated: 2021-03-02. Review status: criteria provided, single submitter. Criteria: Invitae Variant Classification Sherloc (09022015). Collection method: clinical testing. Allele origin: germline.
Comment: In summary, the available evidence is currently insufficient to determine the role of this variant in disease. Therefore, it has been classified as a Variant of Uncertain Significance. Algorithms developed to predict the effect of missense changes on protein structure and function are either unavailable or do not agree on the potential impact of this missense change (SIFT: "Not Available"; PolyPhen-2: "Probably Damaging"; Align-GVGD: "Not Available"). This variant has not been reported in the literature in individuals with SLC9A3-related conditions. This variant is present in population databases (rs758544114, ExAC 0.002%). This sequence change replaces arginine with histidine at codon 552 of the SLC9A3 protein (p.Arg552His). The arginine residue is moerately conserved and there is a small physicochemical difference between arginine and histidine.

NM_004174.4(SLC9A3):c.1655G>A (p.Arg552His)

Genes: SLC9A3 (solute carrier family 9 member A3), SLC9A3-AS1 (SLC9A3 antisense RNA 1; plus strand). Cytogenetic location: 5p15.33.
Variant type: single nucleotide variant.
Coding change: c.1655G>A on transcript NM_004174.4 (MANE Select); coding-DNA position 1655, G replaced by A.
Protein change: p.Arg552His; replaces arginine 552 with histidine.
Molecular consequence: missense variant.
Genome position (GRCh38, 1-based): chr5:477,437, C>T on the plus strand (G>A on the coding strand, the complement: SLC9A3 is on the minus strand). VCF-style: chr5-477437-C-T. GRCh37 (hg19) VCF-style: chr5-477552-C-T.
Other names: c.1628G>A, p.Arg543His (NM_001284351.3); c.1655G>A (NM_004174.2); short protein forms R552H, R543H.
Identifiers: ClinVar variation 1475480 (VCV001475480.5), dbSNP rs758544114, ClinGen allele CA3175777.